The following is an entry in ClinVar:

ClinVar aggregate classification (germline): Uncertain significance (1 of 4 stars; one submission).

Conditions:
Hypertrophic cardiomyopathy. Also called: HYPERTROPHIC MYOCARDIOPATHY. Identifiers: Orphanet 217569, MedGen C0007194, MeSH D002312, MONDO:0005045, HP:0001639.

Submission:

Labcorp Genetics (formerly Invitae), Labcorp
Classification: Uncertain significance for Hypertrophic cardiomyopathy. Last evaluated: 2021-11-28. Review status: criteria provided, single submitter. Criteria: Invitae Variant Classification Sherloc (09022015). Collection method: clinical testing. Allele origin: germline.
Comment: In summary, the available evidence is currently insufficient to determine the role of this variant in disease. Therefore, it has been classified as a Variant of Uncertain Significance. This variant has not been reported in the literature in individuals affected with MYBPC3-related conditions. This variant results in a copy number gain of the genomic region encompassing exon(s) 1-5 of the MYBPC3 gene. This region includes the initiator codon of the gene. This copy number gain extends beyond the assayed region for this gene and therefore may encompass additional genes. As the precise location of this event is unknown, it may be in tandem or it may be located elsewhere in the genome.

NC_000011.9:g.(?_47371305)_(47374198_?)dup

Gene: MYBPC3 (myosin binding protein C3; minus strand). Cytogenetic location: 11p11.2.
Variant type: Duplication.
Identifiers: ClinVar variation 2422686 (VCV002422686.4).